The following is an entry in ClinVar:

NM_004725.4(BUB3):c.627C>A (p.Asp209Glu)

Gene: BUB3 (BUB3 mitotic checkpoint protein; plus strand). Cytogenetic location: 10q26.13.
Variant type: single nucleotide variant.
Coding change: c.627C>A on transcript NM_004725.4 (MANE Select); coding-DNA position 627, C replaced by A.
Protein change: p.Asp209Glu; replaces aspartic acid 209 with glutamic acid.
Molecular consequence: missense variant.
Genome position (GRCh38, 1-based): chr10:123,162,286, C>A. VCF-style: chr10-123162286-C-A. GRCh37 (hg19) VCF-style: chr10-124921802-C-A.
Other names: c.627C>A, p.Asp209Glu (NM_001007793.3); short protein forms D209E.
Identifiers: ClinVar variation 1752576 (VCV001752576.2), dbSNP rs2493765859, ClinGen allele CA378626524.

ClinVar aggregate classification (germline): Uncertain significance (1 of 4 stars; one submission).

Submission:

Ambry Genetics
Classification: Uncertain significance. Last evaluated: 2021-10-17. Review status: criteria provided, single submitter. Criteria: Ambry Variant Classification Scheme 2023. Collection method: clinical testing. Allele origin: germline.
Comment: The p.D209E variant (also known as c.627C>A), located in coding exon 5 of the BUB3 gene, results from a C to A substitution at nucleotide position 627. The aspartic acid at codon 209 is replaced by glutamic acid, an amino acid with highly similar properties. This amino acid position is conserved. In addition, the in silico prediction for this alteration is inconclusive. Since supporting evidence is limited at this time, the clinical significance of this alteration remains unclear.